The following is an entry in ClinVar:

NM_000455.5(STK11):c.597+35_598-14dup

Gene: STK11 (serine/threonine kinase 11; plus strand). Cytogenetic location: 19p13.3.
Variant type: Duplication.
Coding change: c.597+35_598-14dup on transcript NM_000455.5 (MANE Select); 35 bases into the intron after coding-DNA position 597 through 14 bases into the intron before coding-DNA position 598, 28 bases duplicated (CCTCCCGGGCACTCCCTGAGGGCTGCAC).
Molecular consequence: intron variant.
Genome position (GRCh38, 1-based): chr19:1,220,540-1,220,567, CCTCCCGGGCACTCCCTGAGGGCTGCAC duplicated; duplicating any 28 consecutive bases within chr19:1,220,539-1,220,567 gives the same sequence; the c. name uses the placement nearest the transcript's 3' end. VCF-style (leftmost placement, unchanged base first): chr19-1220538-C-CCCCTCCCGGGCACTCCCTGAGGGCTGCA. GRCh37 (hg19) VCF-style: chr19-1220537-C-CCCCTCCCGGGCACTCCCTGAGGGCTGCA.
Other names: c.597+35_598-14dup (NM_001407255.1).
Identifiers: ClinVar variation 3904384 (VCV003904384.1).

ClinVar aggregate classification (germline): Benign (1 of 4 stars; one submission).

Conditions:
Peutz-Jeghers syndrome (PJS). Also called: POLYPOSIS, HAMARTOMATOUS INTESTINAL; POLYPS-AND-SPOTS SYNDROME; Peutz-Jeghers polyposis; Periorificial lentiginosis syndrome. Identifiers: Orphanet 2869, MedGen C0031269, MeSH D010580, MONDO:0008280, OMIM 175200.

Submission:

Myriad Genetics, Inc.
Classification: Benign for Peutz-Jeghers syndrome. Last evaluated: 2025-03-26. Review status: criteria provided, single submitter. Criteria: Myriad Autosomal Dominant, Autosomal Recessive and X-Linked Classification Criteria (2023). Collection method: clinical testing. Allele origin: unknown.
Comment: This variant is considered benign. This variant is intronic and is not expected to impact mRNA splicing.